The following is an entry in ClinVar:

NM_016580.4(PCDH12):c.452G>A (p.Arg151Gln)

Genes: PCDH12 (protocadherin 12; minus strand), RNF14 (ring finger protein 14; plus strand). Cytogenetic location: 5q31.3.
Variant type: single nucleotide variant.
Coding change: c.452G>A on transcript NM_016580.4 (MANE Select); coding-DNA position 452, G replaced by A.
Protein change: p.Arg151Gln; replaces arginine 151 with glutamine.
Molecular consequence: missense variant.
Genome position (GRCh38, 1-based): chr5:141,957,400, C>T on the plus strand (G>A on the coding strand, the complement: PCDH12 is on the minus strand). VCF-style: chr5-141957400-C-T. GRCh37 (hg19) VCF-style: chr5-141336965-C-T.
Other names: c.452G>A (NM_016580.3); short protein forms R151Q.
Identifiers: ClinVar variation 1169498 (VCV001169498.11), dbSNP rs114795118, ClinGen allele CA3484556.

ClinVar aggregate classification (germline): Benign. Review status: criteria provided, single submitter (1 of 4 stars). 2 submissions from 2 submitters: Benign (1). 1 of the submissions does not count toward it. Last evaluated 2026-01-17.

Conditions:
PCDH12-related disorder. Also called: PCDH12-related condition.

Allele frequency attached by ClinVar (database versions not stated): gnomAD exomes 0.00041 and 0.00117; ExAC 0.00145; 1000 Genomes Project 30x 0.00422; gnomAD 0.00436 and 0.00467; 1000 Genomes Project 0.00439; TOPMed 0.00471; ESP Exome Variant Server 0.00531.
gnomAD v4.1: 1,296 of 1,613,352 alleles (0.08%); highest among the groups gnomAD compares: African/African-American, 1.5%; 12 homozygotes.

Submissions (2):

Labcorp Genetics (formerly Invitae), Labcorp
Classification: Benign. Last evaluated: 2026-01-17. Review status: criteria provided, single submitter. Criteria: Invitae Variant Classification Sherloc (09022015). Collection method: clinical testing. Allele origin: germline.

PreventionGenetics, part of Exact Sciences
Classification: Likely benign for PCDH12-related condition. Last evaluated: 2019-03-20. Review status: no assertion criteria provided. Collection method: clinical testing. Allele origin: germline. Not counted in ClinVar's aggregate classification.
Comment: This variant is classified as likely benign based on ACMG/AMP sequence variant interpretation guidelines (Richards et al. 2015 PMID: 25741868, with internal and published modifications).